The following is an entry in ClinVar:

NM_015909.4(NBAS):c.4691A>C (p.Gln1564Pro)

Gene: NBAS (NBAS subunit of NRZ tethering complex; minus strand). Cytogenetic location: 2p24.3.
Variant type: single nucleotide variant.
Coding change: c.4691A>C on transcript NM_015909.4 (MANE Select); coding-DNA position 4691, A replaced by C.
Protein change: p.Gln1564Pro; replaces glutamine 1564 with proline.
Molecular consequence: missense variant. On other transcripts: non-coding transcript variant (1).
Genome position (GRCh38, 1-based): chr2:15,308,322, T>G on the plus strand (A>C on the coding strand, the complement: NBAS is on the minus strand). VCF-style: chr2-15308322-T-G. GRCh37 (hg19) VCF-style: chr2-15448446-T-G.
Other names: short protein forms Q1564P.
Identifiers: ClinVar variation 3639331 (VCV003639331.2).

ClinVar aggregate classification (germline): Uncertain significance (1 of 4 stars; one submission).

Submission:

Labcorp Genetics (formerly Invitae), Labcorp
Classification: Uncertain significance. Last evaluated: 2024-02-23. Review status: criteria provided, single submitter. Criteria: Invitae Variant Classification Sherloc (09022015). Collection method: clinical testing. Allele origin: germline.
Comment: This sequence change replaces glutamine, which is neutral and polar, with proline, which is neutral and non-polar, at codon 1564 of the NBAS protein (p.Gln1564Pro). This variant is not present in population databases (gnomAD no frequency). This variant has not been reported in the literature in individuals affected with NBAS-related conditions. Advanced modeling of protein sequence and biophysical properties (such as structural, functional, and spatial information, amino acid conservation, physicochemical variation, residue mobility, and thermodynamic stability) performed at Invitae indicates that this missense variant is not expected to disrupt NBAS protein function with a negative predictive value of 95%. In summary, the available evidence is currently insufficient to determine the role of this variant in disease. Therefore, it has been classified as a Variant of Uncertain Significance.